The following is an entry in ClinVar:

ClinVar aggregate classification (germline): Uncertain significance (1 of 4 stars; one submission).

Submission:

GeneDx
Classification: Uncertain significance. Last evaluated: 2025-10-02. Review status: criteria provided, single submitter. Criteria: GeneDx Variant Classification Process June 2021. Collection method: clinical testing. Allele origin: germline.
Comment: Not observed at significant frequency in large population cohorts (gnomAD); In silico analysis supports that this missense variant has a deleterious effect on protein structure/function; Has not been previously published as pathogenic or benign to our knowledge

NM_013450.4(BAZ2B):c.143G>A (p.Cys48Tyr)

Gene: BAZ2B (bromodomain adjacent to zinc finger domain 2B; minus strand). Cytogenetic location: 2q24.2.
Variant type: single nucleotide variant.
Coding change: c.143G>A on transcript NM_013450.4 (MANE Select); coding-DNA position 143, G replaced by A.
Protein change: p.Cys48Tyr; replaces cysteine 48 with tyrosine.
Molecular consequence: missense variant.
Genome position (GRCh38, 1-based): chr2:159,478,577, C>T on the plus strand (G>A on the coding strand, the complement: BAZ2B is on the minus strand). VCF-style: chr2-159478577-C-T. GRCh37 (hg19) VCF-style: chr2-160335088-C-T.
Other names: c.143G>A, p.Cys48Tyr (NM_001289975.1, NM_001329857.2, NM_001329858.2); short protein forms C48Y.
Identifiers: ClinVar variation 3391694 (VCV003391694.2).